The following is an entry in ClinVar:

NM_003190.5(TAPBP):c.1271T>A (p.Leu424His)

Gene: TAPBP (TAP binding protein; minus strand). Cytogenetic location: 6p21.32.
Variant type: single nucleotide variant.
Coding change: c.1271T>A on transcript NM_003190.5 (MANE Select); coding-DNA position 1271, T replaced by A.
Protein change: p.Leu424His; replaces leucine 424 with histidine.
Molecular consequence: missense variant.
Genome position (GRCh38, 1-based): chr6:33,304,157, A>T on the plus strand (T>A on the coding strand, the complement: TAPBP is on the minus strand). VCF-style: chr6-33304157-A-T. GRCh37 (hg19) VCF-style: chr6-33271934-A-T.
Other names: c.1271T>A, p.Leu424His (NM_001410875.1, NM_172208.3); c.1010T>A, p.Leu337His (NM_172209.3); short protein forms L424H, L337H.
Identifiers: ClinVar variation 3804182 (VCV003804182.2).

ClinVar aggregate classification (germline): Uncertain significance. Review status: criteria provided, multiple submitters, no conflicts (2 of 4 stars). 2 submissions from 2 submitters: Uncertain significance (2). Last evaluated 2025-12-19.

Conditions:
MHC class I deficiency. Identifiers: Orphanet 34592, MedGen C6024714, MONDO:0011476.

gnomAD v4.1: 6 of 1,613,322 alleles (0.00037%); highest among the groups gnomAD compares: South Asian, 0.0055%; no homozygotes.

Submissions (2):

Labcorp Genetics (formerly Invitae), Labcorp
Classification: Uncertain significance for MHC class I deficiency 1. Last evaluated: 2025-12-19. Review status: criteria provided, single submitter. Criteria: Invitae Variant Classification Sherloc (09022015). Collection method: clinical testing. Allele origin: germline.
Comment: This sequence change replaces leucine, which is neutral and non-polar, with histidine, which is basic and polar, at codon 424 of the TAPBP protein (p.Leu424His). This variant is present in population databases (no rsID available, gnomAD 0.003%). This variant has not been reported in the literature in individuals affected with TAPBP-related conditions. ClinVar contains an entry for this variant (Variation ID: 3804182). An algorithm developed to predict the effect of missense changes on protein structure and function (PolyPhen-2) suggests that this variant is likely to be disruptive. In summary, the available evidence is currently insufficient to determine the role of this variant in disease. Therefore, it has been classified as a Variant of Uncertain Significance.

Ambry Genetics
Classification: Uncertain significance. Last evaluated: 2024-12-14. Review status: criteria provided, single submitter. Criteria: Ambry Variant Classification Scheme 2023. Collection method: clinical testing. Allele origin: germline.